The following is an entry in ClinVar:

ClinVar aggregate classification (germline): Uncertain significance (1 of 4 stars; one submission).

Submission:

Labcorp Genetics (formerly Invitae), Labcorp
Classification: Uncertain significance. Last evaluated: 2024-03-04. Review status: criteria provided, single submitter. Criteria: Invitae Variant Classification Sherloc (09022015). Collection method: clinical testing. Allele origin: germline.
Comment: This sequence change replaces proline, which is neutral and non-polar, with arginine, which is basic and polar, at codon 46 of the POC5 protein (p.Pro46Arg). This variant is not present in population databases (gnomAD no frequency). This variant has not been reported in the literature in individuals affected with POC5-related conditions. ClinVar contains an entry for this variant (Variation ID: 1922089). An algorithm developed to predict the effect of missense changes on protein structure and function (PolyPhen-2) suggests that this variant is likely to be tolerated. In summary, the available evidence is currently insufficient to determine the role of this variant in disease. Therefore, it has been classified as a Variant of Uncertain Significance.

NM_001099271.2(POC5):c.137C>G (p.Pro46Arg)

Gene: POC5 (POC5 centriolar protein; minus strand). Cytogenetic location: 5q13.3.
Variant type: single nucleotide variant.
Coding change: c.137C>G on transcript NM_001099271.2 (MANE Select); coding-DNA position 137, C replaced by G.
Protein change: p.Pro46Arg; replaces proline 46 with arginine.
Molecular consequence: missense variant.
Genome position (GRCh38, 1-based): chr5:75,707,823, G>C on the plus strand (C>G on the coding strand, the complement: POC5 is on the minus strand). VCF-style: chr5-75707823-G-C. GRCh37 (hg19) VCF-style: chr5-75003648-G-C.
Other names: c.62C>G, p.Pro21Arg (NM_152408.3); short protein forms P21R, P46R.
Identifiers: ClinVar variation 1922089 (VCV001922089.5), dbSNP rs766572712, ClinGen allele CA360151037.
Genomic context (GRCh38, chr5:75,707,823, plus strand): 5'-GTAGAAATTCTGACATCTGGCACCAATTCTCCCTTAGGATGAGATGACTGTGAAGCACAG[G>C]GTTCAATATTTGGAGTCACTATAGCATAATGAAGCAGTTCTTCATATTCTTCCTAAGAGA-3'
Protein context (NP_001092741.1, residues 36-56): HYAIVTPNIE[Pro46Arg]CASQSSHPKG